The following is an entry in ClinVar:

ClinVar aggregate classification (germline): Uncertain significance. Review status: criteria provided, multiple submitters, no conflicts (2 of 4 stars). 2 submissions from 2 submitters: Uncertain significance (2). Last evaluated 2024-03-24.

Conditions:
Hereditary cancer-predisposing syndrome. Also called: Hereditary Cancer Syndrome; Neoplastic Syndromes, Hereditary; Tumor predisposition; Hereditary neoplastic syndrome. Identifiers: Orphanet 140162, MedGen C0027672, MeSH D009386, MONDO:0015356.
Endometrial carcinoma. Also called: Endometrial carcinoma, somatic. Identifiers: MedGen C0476089, MONDO:0002447, OMIM 608089, HP:0012114.

Allele frequency attached by ClinVar (database versions not stated): gnomAD exomes below 0.00001; ExAC 0.00001; gnomAD 0.00001; TOPMed 0.00001.

Submissions (2):

Baylor Genetics
Classification: Uncertain significance for Endometrial carcinoma. Last evaluated: 2024-03-24. Review status: criteria provided, single submitter. Criteria: ACMG Guidelines, 2015. Collection method: clinical testing. Allele origin: unknown.

Ambry Genetics
Classification: Uncertain significance for Hereditary cancer-predisposing syndrome. Last evaluated: 2023-06-05. Review status: criteria provided, single submitter. Criteria: Ambry Variant Classification Scheme 2023. Collection method: clinical testing. Allele origin: germline.
Comment: The p.G448R variant (also known as c.1342G>C), located in coding exon 4 of the MSH6 gene, results from a G to C substitution at nucleotide position 1342. The glycine at codon 448 is replaced by arginine, an amino acid with dissimilar properties. This amino acid position is highly conserved in available vertebrate species. In addition, this alteration is predicted to be deleterious by in silico analysis. Since supporting evidence is limited at this time, the clinical significance of this alteration remains unclear.

NM_000179.3(MSH6):c.1342G>C (p.Gly448Arg)

Gene: MSH6 (mutS homolog 6; plus strand). Cytogenetic location: 2p16.3.
Variant type: single nucleotide variant.
Coding change: c.1342G>C on transcript NM_000179.3 (MANE Select); coding-DNA position 1342, G replaced by C.
Protein change: p.Gly448Arg; replaces glycine 448 with arginine.
Molecular consequence: missense variant.
Genome position (GRCh38, 1-based): chr2:47,799,325, G>C. VCF-style: chr2-47799325-G-C. GRCh37 (hg19) VCF-style: chr2-48026464-G-C.
Other names: c.952G>C, p.Gly318Arg (NM_001281492.2); c.436G>C, p.Gly146Arg (NM_001281493.2, NM_001281494.2); short protein forms G448R, G146R, G318R.
Identifiers: ClinVar variation 479976 (VCV000479976.7), dbSNP rs779123278, ClinGen allele CA067502.